The following is an entry in ClinVar:

NM_001145026.2(PTPRQ):c.4718T>C (p.Ile1573Thr)

Gene: PTPRQ (protein tyrosine phosphatase receptor type Q; plus strand). Cytogenetic location: 12q21.31.
Variant type: single nucleotide variant.
Coding change: c.4718T>C on transcript NM_001145026.2 (MANE Select); coding-DNA position 4718, T replaced by C.
Protein change: p.Ile1573Thr; replaces isoleucine 1573 with threonine.
Molecular consequence: missense variant.
Genome position (GRCh38, 1-based): chr12:80,605,167, T>C. VCF-style: chr12-80605167-T-C. GRCh37 (hg19) VCF-style: chr12-80998946-T-C.
Other names: short protein forms I1573T.
Identifiers: ClinVar variation 2501373 (VCV002501373.1), dbSNP rs1289646722, ClinGen allele CA385939041.

ClinVar aggregate classification (germline): Uncertain significance (1 of 4 stars; one submission).

Allele frequency attached by ClinVar (database versions not stated): gnomAD exomes 0.00001.
gnomAD v4.1: 10 of 1,541,346 alleles (0.00065%); highest among the groups gnomAD compares: East Asian, 0.0025%; no homozygotes.

Submission:

GeneDx
Classification: Uncertain significance. Last evaluated: 2022-11-08. Review status: criteria provided, single submitter. Criteria: GeneDx Variant Classification Process June 2021. Collection method: clinical testing. Allele origin: germline. Affected: yes.
Comment: In silico analysis supports that this missense variant has a deleterious effect on protein structure/function; Has not been previously published as pathogenic or benign to our knowledge